The following is an entry in ClinVar:

NM_000215.4(JAK3):c.2279T>C (p.Met760Thr)

Gene: JAK3 (Janus kinase 3; minus strand). Cytogenetic location: 19p13.11.
Variant type: single nucleotide variant.
Coding change: c.2279T>C on transcript NM_000215.4 (MANE Select); coding-DNA position 2279, T replaced by C.
Protein change: p.Met760Thr; replaces methionine 760 with threonine.
Molecular consequence: missense variant.
Genome position (GRCh38, 1-based): chr19:17,834,642, A>G on the plus strand (T>C on the coding strand, the complement: JAK3 is on the minus strand). VCF-style: chr19-17834642-A-G. GRCh37 (hg19) VCF-style: chr19-17945451-A-G.
Other names: short protein forms M760T.
Identifiers: ClinVar variation 3017627 (VCV003017627.3), dbSNP rs1297428679, ClinGen allele CA404767392.

ClinVar aggregate classification (germline): Uncertain significance (1 of 4 stars; one submission).

Conditions:
T-B+ severe combined immunodeficiency due to JAK3 deficiency. Also called: SCID, T CELL-NEGATIVE, B CELL-POSITIVE, NK CELL-NEGATIVE; SCID, autosomal recessive, T-negative/B-positive type. Identifiers: Orphanet 35078, MedGen C1833275, MONDO:0010938, OMIM 600802.

Allele frequency attached by ClinVar (database versions not stated): gnomAD exomes below 0.00001; TOPMed 0.00002.
gnomAD v4.1: 2 of 1,606,212 alleles (0.00012%); highest among the groups gnomAD compares: Non-Finnish European, 0.00017%; no homozygotes.

Submission:

Labcorp Genetics (formerly Invitae), Labcorp
Classification: Uncertain significance for T-B+ severe combined immunodeficiency due to JAK3 deficiency. Last evaluated: 2023-10-17. Review status: criteria provided, single submitter. Criteria: Invitae Variant Classification Sherloc (09022015). Collection method: clinical testing. Allele origin: germline.
Comment: This sequence change replaces methionine, which is neutral and non-polar, with threonine, which is neutral and polar, at codon 760 of the JAK3 protein (p.Met760Thr). This variant is not present in population databases (gnomAD no frequency). This variant has not been reported in the literature in individuals affected with JAK3-related conditions. Advanced modeling of protein sequence and biophysical properties (such as structural, functional, and spatial information, amino acid conservation, physicochemical variation, residue mobility, and thermodynamic stability) performed at Invitae indicates that this missense variant is not expected to disrupt JAK3 protein function. In summary, the available evidence is currently insufficient to determine the role of this variant in disease. Therefore, it has been classified as a Variant of Uncertain Significance.